The following is an entry in ClinVar:

ClinVar aggregate classification (germline): Benign. Review status: criteria provided, multiple submitters, no conflicts (2 of 4 stars). 2 submissions from 2 submitters: Benign (2). Last evaluated 2018-01-13.

Conditions:
Fleck corneal dystrophy (CFD). Also called: CORNEAL DYSTROPHY, FRANCOIS-NEETENS SPECKLED OR FLECKED. Identifiers: Orphanet 98970, MedGen C1562113, MONDO:0007376, OMIM 121850.

Allele frequency attached by ClinVar (database versions not stated): gnomAD 0.04949 and 0.05003; TOPMed 0.05396; 1000 Genomes Project 30x 0.06480; 1000 Genomes Project 0.06530.

Submissions (2):

Illumina Laboratory Services, Illumina
Classification: Benign for Fleck corneal dystrophy. Last evaluated: 2018-01-13. Review status: criteria provided, single submitter. Criteria: ICSL Variant Classification Criteria 13 December 2019. Collection method: clinical testing. Allele origin: germline.
Comment: This variant was observed in the ICSL laboratory as part of a predisposition screen in an ostensibly healthy population. It had not been previously curated by ICSL or reported in the Human Gene Mutation Database (HGMD: prior to June 1st, 2018), and was therefore a candidate for classification through an automated scoring system. Utilizing variant allele frequency, disease prevalence and penetrance estimates, and inheritance mode, an automated score was calculated to assess if this variant is too frequent to cause the disease. Based on the score and internal cut-off values, a variant classified as benign is not then subjected to further curation. The score for this variant resulted in a classification of benign for this disease.

Breakthrough Genomics
Classification: Benign. Review status: criteria provided, single submitter. Criteria: ACMG Guidelines, 2015. Collection method: not provided. Allele origin: germline. Inheritance: Autosomal dominant inheritance. Affected: yes.

NM_015040.4(PIKFYVE):c.*2185C>G

Gene: PIKFYVE (phosphoinositide kinase, FYVE-type zinc finger containing; plus strand). Cytogenetic location: 2q34.
Variant type: single nucleotide variant.
Coding change: c.*2185C>G on transcript NM_015040.4 (MANE Select); 2185 bases downstream of the stop codon, C replaced by G.
Molecular consequence: 3 prime UTR variant.
Genome position (GRCh38, 1-based): chr2:208,357,490, C>G. VCF-style: chr2-208357490-C-G. GRCh37 (hg19) VCF-style: chr2-209222214-C-G.
Identifiers: ClinVar variation 333968 (VCV000333968.6), dbSNP rs59149007, ClinGen allele CA10612267.